The following is an entry in ClinVar:

ClinVar aggregate classification (germline): Uncertain significance (1 of 4 stars; one submission).

gnomAD v4.1: 1 of 1,614,048 alleles (0.000062%); no homozygotes.

Submission:

Labcorp Genetics (formerly Invitae), Labcorp
Classification: Uncertain significance. Last evaluated: 2021-12-07. Review status: criteria provided, single submitter. Criteria: Invitae Variant Classification Sherloc (09022015). Collection method: clinical testing. Allele origin: germline.
Comment: In summary, the available evidence is currently insufficient to determine the role of this variant in disease. Therefore, it has been classified as a Variant of Uncertain Significance. Algorithms developed to predict the effect of missense changes on protein structure and function are either unavailable or do not agree on the potential impact of this missense change (SIFT: "Deleterious"; PolyPhen-2: "Not Available"; Align-GVGD: "Class C0"). This variant has not been reported in the literature in individuals affected with RIN2-related conditions. This variant is not present in population databases (gnomAD no frequency). This sequence change replaces serine, which is neutral and polar, with cysteine, which is neutral and slightly polar, at codon 239 of the RIN2 protein (p.Ser239Cys).

NM_018993.4(RIN2):c.716C>G (p.Ser239Cys)

Gene: RIN2 (Ras and Rab interactor 2; plus strand). Cytogenetic location: 20p11.23.
Variant type: single nucleotide variant.
Coding change: c.716C>G on transcript NM_018993.4 (MANE Select); coding-DNA position 716, C replaced by G.
Protein change: p.Ser239Cys; replaces serine 239 with cysteine.
Molecular consequence: missense variant.
Genome position (GRCh38, 1-based): chr20:19,974,741, C>G. VCF-style: chr20-19974741-C-G. GRCh37 (hg19) VCF-style: chr20-19955385-C-G.
Other names: c.863C>G, p.Ser288Cys (NM_001242581.2); c.98C>G, p.Ser33Cys (NM_001378238.1); short protein forms S239C, S288C, S33C.
Identifiers: ClinVar variation 2183824 (VCV002183824.4), dbSNP rs941789764, ClinGen allele CA408360824.